The following is an entry in ClinVar:

ClinVar aggregate classification (germline): Conflicting classifications of pathogenicity. Review status: criteria provided, conflicting classifications (1 of 4 stars). 4 submissions from 4 submitters: Uncertain significance (3); Likely benign (1). Last evaluated 2025-11-23.

Conditions:
Tuberous sclerosis 1 (TSC1). Identifiers: Orphanet 805, MedGen C1854465, MONDO:0008612, OMIM 191100.
Tuberous sclerosis syndrome (TSC). Also called: Tuberous Sclerosis Complex; Tuberous sclerosis. Identifiers: Orphanet 805, MedGen C0041341, MONDO:0001734.
Hereditary cancer-predisposing syndrome. Also called: Hereditary neoplastic syndrome; Hereditary Cancer Syndrome; Neoplastic Syndromes, Hereditary; Tumor predisposition. Identifiers: Orphanet 140162, MedGen C0027672, MeSH D009386, MONDO:0015356.

Allele frequency attached by ClinVar (database versions not stated): gnomAD exomes below 0.00001.
gnomAD v4.1: 1 of 1,599,962 alleles (0.000063%); highest among the groups gnomAD compares: Admixed American, 0.0017%; no homozygotes.

Submissions (4):

Labcorp Genetics (formerly Invitae), Labcorp
Classification: Uncertain significance for Tuberous sclerosis 1. Last evaluated: 2025-11-23. Review status: criteria provided, single submitter. Criteria: Invitae Variant Classification Sherloc (09022015). Collection method: clinical testing. Allele origin: germline.
Comment: This sequence change replaces threonine, which is neutral and polar, with asparagine, which is neutral and polar, at codon 904 of the TSC1 protein (p.Thr904Asn). This variant is not present in population databases (gnomAD no frequency). This variant has not been reported in the literature in individuals affected with TSC1-related conditions. ClinVar contains an entry for this variant (Variation ID: 1368216). Invitae Evidence Modeling of protein sequence and biophysical properties (such as structural, functional, and spatial information, amino acid conservation, physicochemical variation, residue mobility, and thermodynamic stability) indicates that this missense variant is not expected to disrupt TSC1 protein function with a negative predictive value of 95%. In summary, the available evidence is currently insufficient to determine the role of this variant in disease. Therefore, it has been classified as a Variant of Uncertain Significance.

Color Diagnostics, LLC DBA Color Health
Classification: Uncertain significance for Tuberous sclerosis syndrome. Last evaluated: 2025-09-10. Review status: criteria provided, single submitter. Criteria: ACMG Guidelines, 2015. Collection method: clinical testing. Allele origin: germline.
Comment: This missense variant replaces threonine with asparagine at codon 904 of the TSC1 protein. Computational prediction suggests that this variant may not impact protein structure and function. To our knowledge, functional studies have not been reported for this variant. This variant has not been reported in individuals affected with TSC1-related disorders in the literature. This variant has not been identified in the general population by the Genome Aggregation Database (gnomAD). The available evidence is insufficient to determine the role of this variant in disease conclusively. Therefore, this variant is classified as a Variant of Uncertain Significance.

Quest Diagnostics Nichols Institute San Juan Capistrano
Classification: Uncertain significance. Last evaluated: 2025-04-15. Review status: criteria provided, single submitter. Criteria: Quest Diagnostics criteria. Collection method: clinical testing. Allele origin: unknown.

Ambry Genetics
Classification: Likely benign for Hereditary cancer-predisposing syndrome. Last evaluated: 2025-02-25. Review status: criteria provided, single submitter. Criteria: Ambry Variant Classification Scheme 2023. Collection method: clinical testing. Allele origin: germline.

NM_000368.5(TSC1):c.2711C>A (p.Thr904Asn)

Gene: TSC1 (TSC complex subunit 1; minus strand). Cytogenetic location: 9q34.13.
Variant type: single nucleotide variant.
Coding change: c.2711C>A on transcript NM_000368.5 (MANE Select); coding-DNA position 2711, C replaced by A.
Protein change: p.Thr904Asn; replaces threonine 904 with asparagine.
Molecular consequence: missense variant.
Genome position (GRCh38, 1-based): chr9:132,897,525, G>T on the plus strand (C>A on the coding strand, the complement: TSC1 is on the minus strand). VCF-style: chr9-132897525-G-T. GRCh37 (hg19) VCF-style: chr9-135772912-G-T.
Other names: c.2708C>A, p.Thr903Asn (NM_001162426.2); c.2558C>A, p.Thr853Asn (NM_001162427.2); c.2348C>A, p.Thr783Asn (NM_001362177.2); c.2711C>A (NM_000368.4); short protein forms T903N, T783N, T853N, T904N.
Identifiers: ClinVar variation 1368216 (VCV001368216.10), dbSNP rs1564471932, ClinGen allele CA375369384.